The following is an entry in ClinVar:

NM_130837.3(OPA1):c.1300C>T (p.Pro434Ser)

Gene: OPA1 (OPA1 mitochondrial dynamin like GTPase; plus strand). Cytogenetic location: 3q29.
Variant type: single nucleotide variant.
Coding change: c.1300C>T on transcript NM_130837.3 (MANE Select); coding-DNA position 1300, C replaced by T.
Protein change: p.Pro434Ser; replaces proline 434 with serine.
Molecular consequence: missense variant.
Genome position (GRCh38, 1-based): chr3:193,643,044, C>T. VCF-style: chr3-193643044-C-T. GRCh37 (hg19) VCF-style: chr3-193360833-C-T.
Other names: c.766C>T, p.Pro256Ser (NM_001354663.2); c.763C>T, p.Pro255Ser (NM_001354664.2); c.1135C>T, p.Pro379Ser (NM_015560.3); c.1027C>T, p.Pro343Ser (NM_130831.3); c.1081C>T, p.Pro361Ser (NM_130832.3); c.1138C>T, p.Pro380Ser (NM_130833.3); c.1189C>T, p.Pro397Ser (NM_130834.3); c.1192C>T, p.Pro398Ser (NM_130835.3); and 1 more; short protein forms P256S, P398S, P416S, P380S, P434S, P255S, P343S, P379S.
Identifiers: ClinVar variation 1489620 (VCV001489620.8), dbSNP rs762004680, ClinGen allele CA2759329.

ClinVar aggregate classification (germline): Uncertain significance (1 of 4 stars; one submission).

Allele frequency attached by ClinVar (database versions not stated): TOPMed below 0.00001; ExAC 0.00001; gnomAD exomes 0.00001 and 0.00003.
gnomAD v4.1: 42 of 1,609,802 alleles (0.0026%); highest among the groups gnomAD compares: Non-Finnish European, 0.0035%; no homozygotes.

Submission:

Labcorp Genetics (formerly Invitae), Labcorp
Classification: Uncertain significance. Last evaluated: 2023-05-12. Review status: criteria provided, single submitter. Criteria: Invitae Variant Classification Sherloc (09022015). Collection method: clinical testing. Allele origin: germline.
Comment: This sequence change replaces proline, which is neutral and non-polar, with serine, which is neutral and polar, at codon 379 of the OPA1 protein (p.Pro379Ser). Advanced modeling of protein sequence and biophysical properties (such as structural, functional, and spatial information, amino acid conservation, physicochemical variation, residue mobility, and thermodynamic stability) performed at Invitae indicates that this missense variant is not expected to disrupt OPA1 protein function. In summary, the available evidence is currently insufficient to determine the role of this variant in disease. Therefore, it has been classified as a Variant of Uncertain Significance. ClinVar contains an entry for this variant (Variation ID: 1489620). This variant has not been reported in the literature in individuals affected with OPA1-related conditions. This variant is present in population databases (rs762004680, gnomAD 0.002%).